The following is an entry in ClinVar:

ClinVar aggregate classification (germline): Likely benign. Review status: criteria provided, multiple submitters, no conflicts (2 of 4 stars). 3 submissions from 3 submitters: Likely benign (3). Last evaluated 2025-03-31.

Conditions:
Seizures, benign familial infantile, 3 (BFIS3). Also called: Familial neonatal seizures; CONVULSIONS, BENIGN FAMILIAL INFANTILE, 3. Identifiers: Orphanet 140927, Orphanet 306, MedGen C1843140, MONDO:0011904, OMIM 607745.
Developmental and epileptic encephalopathy, 11 (DEE11). Also called: Early infantile epileptic encephalopathy 11. Identifiers: Orphanet 1934, MedGen C3150987, MONDO:0013388, OMIM 613721.

Allele frequency attached by ClinVar (database versions not stated): gnomAD exomes 0.00001; TOPMed 0.00001.
gnomAD v4.1: 17 of 1,613,574 alleles (0.0011%); highest among the groups gnomAD compares: African/African-American, 0.0053%; no homozygotes.

Submissions (3):

Labcorp Genetics (formerly Invitae), Labcorp
Classification: Likely benign for Seizures, benign familial infantile, 3; Developmental and epileptic encephalopathy, 11. Last evaluated: 2025-03-31. Review status: criteria provided, single submitter. Criteria: Invitae Variant Classification Sherloc (09022015). Collection method: clinical testing. Allele origin: germline.

CeGaT Center for Human Genetics Tuebingen
Classification: Likely benign. Last evaluated: 2024-09-01. Review status: criteria provided, single submitter. Criteria: CeGaT Center For Human Genetics Tuebingen Variant Classification Criteria Version 2. Collection method: clinical testing. Allele origin: germline. Affected: yes. Observed: 1 variant allele.
Comment: SCN2A: BP4, BP7

GeneDx
Classification: Likely benign. Last evaluated: 2019-08-05. Review status: criteria provided, single submitter. Criteria: GeneDx Variant Classification Process June 2021. Collection method: clinical testing. Allele origin: germline. Affected: yes.

NM_001040142.2(SCN2A):c.3435G>A (p.Thr1145=)

Gene: SCN2A (sodium voltage-gated channel alpha subunit 2; plus strand). Cytogenetic location: 2q24.3.
Variant type: single nucleotide variant.
Coding change: c.3435G>A on transcript NM_001040142.2 (MANE Select); coding-DNA position 3435, G replaced by A.
Protein change: p.Thr1145=; no amino-acid change (threonine 1145 retained).
Molecular consequence: synonymous variant.
Genome position (GRCh38, 1-based): chr2:165,365,178, G>A. VCF-style: chr2-165365178-G-A. GRCh37 (hg19) VCF-style: chr2-166221688-G-A.
Other names: c.3435G>A, p.Thr1145= (NM_001040143.2, NM_001371246.1, NM_001371247.1 and 1 more transcripts).
Identifiers: ClinVar variation 511862 (VCV000511862.26), dbSNP rs1345931602, ClinGen allele CA429885866.